The following is an entry in ClinVar:

NM_007194.4(CHEK2):c.1542+6C>G

Gene: CHEK2 (checkpoint kinase 2; minus strand). Cytogenetic location: 22q12.1.
Variant type: single nucleotide variant.
Coding change: c.1542+6C>G on transcript NM_007194.4 (MANE Select); 6 bases into the intron after coding-DNA position 1542, C replaced by G.
Molecular consequence: intron variant.
Genome position (GRCh38, 1-based): chr22:28,689,129, G>C on the plus strand (C>G on the coding strand, the complement: CHEK2 is on the minus strand). VCF-style: chr22-28689129-G-C. GRCh37 (hg19) VCF-style: chr22-29085117-G-C.
Other names: c.879+6C>G (NM_001437942.1, NM_001257387.3); c.1341+6C>G (NM_001349956.3); c.1455+6C>G (NM_145862.3); c.1548+6C>G (NM_001438295.1); c.1635+6C>G (NM_001438293.1); c.1584+6C>G (NM_001438294.1); c.1671+6C>G (NM_001005735.3).
Identifiers: ClinVar variation 1001500 (VCV001001500.7), dbSNP rs1414780425, ClinGen allele CA2400235247.

ClinVar aggregate classification (germline): Uncertain significance (1 of 4 stars; one submission).

Conditions:
Familial cancer of breast. Also called: Hereditary breast cancer; hereditary breast carcinoma; BREAST CANCER, FAMILIAL. Identifiers: Orphanet 227535, MedGen C0346153, MONDO:0016419, OMIM 114480. Disease mechanism: loss of function.

Submission:

Labcorp Genetics (formerly Invitae), Labcorp
Classification: Uncertain significance for Familial cancer of breast. Last evaluated: 2025-08-04. Review status: criteria provided, single submitter. Criteria: Invitae Variant Classification Sherloc (09022015). Collection method: clinical testing. Allele origin: germline.
Comment: This sequence change falls in intron 14 of the CHEK2 gene. It does not directly change the encoded amino acid sequence of the CHEK2 protein. It affects a nucleotide within the consensus splice site. This variant is not present in population databases (gnomAD no frequency). This variant has not been reported in the literature in individuals affected with CHEK2-related conditions. ClinVar contains an entry for this variant (Variation ID: 1001500). Variants that disrupt the consensus splice site are a relatively common cause of aberrant splicing (PMID: 17576681, 9536098). Algorithms developed to predict the effect of sequence changes on RNA splicing suggest that this variant is not likely to affect RNA splicing. In summary, the available evidence is currently insufficient to determine the role of this variant in disease. Therefore, it has been classified as a Variant of Uncertain Significance.

Literature cited by the submitters: PubMed 17576681; PubMed 9536098.